The following is an entry in ClinVar:

ClinVar aggregate classification (germline): Conflicting classifications of pathogenicity. Review status: criteria provided, conflicting classifications (1 of 4 stars). 2 submissions from 2 submitters: Uncertain significance (1); Likely benign (1). Last evaluated 2026-07-06.

Conditions:
DICER1-related tumor predisposition. Also called: DICER1-related pleuropulmonary blastoma cancer predisposition syndrome; DICER1 syndrome. Identifiers: Orphanet 284343, MedGen C3839822, MONDO:0100216.
Hereditary cancer-predisposing syndrome. Also called: Tumor predisposition; Hereditary Cancer Syndrome; Hereditary neoplastic syndrome; Neoplastic Syndromes, Hereditary. Identifiers: Orphanet 140162, MedGen C0027672, MeSH D009386, MONDO:0015356.

Submissions (2):

Ambry Genetics
Classification: Likely benign for Hereditary cancer-predisposing syndrome. Last evaluated: 2026-07-06. Review status: criteria provided, single submitter. Criteria: Ambry Variant Classification Scheme 2023. Collection method: clinical testing. Allele origin: germline.

Labcorp Genetics (formerly Invitae), Labcorp
Classification: Uncertain significance for DICER1-related tumor predisposition. Last evaluated: 2022-09-10. Review status: criteria provided, single submitter. Criteria: Invitae Variant Classification Sherloc (09022015). Collection method: clinical testing. Allele origin: germline.
Comment: In summary, the available evidence is currently insufficient to determine the role of this variant in disease. Therefore, it has been classified as a Variant of Uncertain Significance. Advanced modeling of protein sequence and biophysical properties (such as structural, functional, and spatial information, amino acid conservation, physicochemical variation, residue mobility, and thermodynamic stability) performed at Invitae indicates that this missense variant is not expected to disrupt DICER1 protein function. ClinVar contains an entry for this variant (Variation ID: 999179). This variant has not been reported in the literature in individuals affected with DICER1-related conditions. This variant is not present in population databases (gnomAD no frequency). This sequence change replaces aspartic acid, which is acidic and polar, with asparagine, which is neutral and polar, at codon 369 of the DICER1 protein (p.Asp369Asn).

NM_177438.3(DICER1):c.1105G>A (p.Asp369Asn)

Gene: DICER1 (dicer 1, ribonuclease III; minus strand). Cytogenetic location: 14q32.13.
Variant type: single nucleotide variant.
Coding change: c.1105G>A on transcript NM_177438.3 (MANE Select); coding-DNA position 1105, G replaced by A.
Protein change: p.Asp369Asn; replaces aspartic acid 369 with asparagine.
Molecular consequence: missense variant.
Genome position (GRCh38, 1-based): chr14:95,124,467, C>T on the plus strand (G>A on the coding strand, the complement: DICER1 is on the minus strand). VCF-style: chr14-95124467-C-T. GRCh37 (hg19) VCF-style: chr14-95590804-C-T.
Other names: c.1105G>A, p.Asp369Asn (NM_001195573.1, NM_001271282.3, NM_001291628.2 and 1 more transcripts); c.1105G>A (NM_177438.2); short protein forms D369N.
Identifiers: ClinVar variation 999179 (VCV000999179.14), dbSNP rs1893223474, ClinGen allele CA390886952.